The following is an entry in ClinVar:

ClinVar aggregate classification (germline): Uncertain significance (1 of 4 stars; one submission).

Submission:

Labcorp Genetics (formerly Invitae), Labcorp
Classification: Uncertain significance. Last evaluated: 2022-07-26. Review status: criteria provided, single submitter. Criteria: Invitae Variant Classification Sherloc (09022015). Collection method: clinical testing. Allele origin: germline.
Comment: This sequence change replaces asparagine, which is neutral and polar, with serine, which is neutral and polar, at codon 369 of the ALDH6A1 protein (p.Asn369Ser). This variant is not present in population databases (gnomAD no frequency). This variant has not been reported in the literature in individuals affected with ALDH6A1-related conditions. Advanced modeling of protein sequence and biophysical properties (such as structural, functional, and spatial information, amino acid conservation, physicochemical variation, residue mobility, and thermodynamic stability) performed at Invitae indicates that this missense variant is not expected to disrupt ALDH6A1 protein function. In summary, the available evidence is currently insufficient to determine the role of this variant in disease. Therefore, it has been classified as a Variant of Uncertain Significance.

NM_005589.4(ALDH6A1):c.1106A>G (p.Asn369Ser)

Genes: ALDH6A1 (aldehyde dehydrogenase 6 family member A1; minus strand), BBOF1 (basal body orientation factor 1; plus strand). Cytogenetic location: 14q24.3.
Variant type: single nucleotide variant.
Coding change: c.1106A>G on transcript NM_005589.4 (MANE Select); coding-DNA position 1106, A replaced by G.
Protein change: p.Asn369Ser; replaces asparagine 369 with serine.
Molecular consequence: missense variant.
Genome position (GRCh38, 1-based): chr14:74,066,823, T>C on the plus strand (A>G on the coding strand, the complement: ALDH6A1 is on the minus strand). VCF-style: chr14-74066823-T-C. GRCh37 (hg19) VCF-style: chr14-74533526-T-C.
Other names: c.1067A>G, p.Asn356Ser (NM_001278593.2); c.644A>G, p.Asn215Ser (NM_001278594.2); short protein forms N215S, N356S, N369S.
Identifiers: ClinVar variation 2065973 (VCV002065973.4), dbSNP rs2060474193, ClinGen allele CA390368561.